The following is an entry in ClinVar:

ClinVar aggregate classification (germline): Uncertain significance. Review status: criteria provided, multiple submitters, no conflicts (2 of 4 stars). 2 submissions from 2 submitters: Uncertain significance (2). Last evaluated 2025-02-19.

Conditions:
Inborn genetic diseases. Identifiers: MedGen C0950123, MeSH D030342.

Submissions (2):

Ambry Genetics
Classification: Uncertain significance for Inborn genetic diseases. Last evaluated: 2025-02-19. Review status: criteria provided, single submitter. Criteria: Ambry Variant Classification Scheme 2023. Collection method: clinical testing. Allele origin: germline.

Labcorp Genetics (formerly Invitae), Labcorp
Classification: Uncertain significance. Last evaluated: 2022-07-06. Review status: criteria provided, single submitter. Criteria: Invitae Variant Classification Sherloc (09022015). Collection method: clinical testing. Allele origin: germline.
Comment: In summary, the available evidence is currently insufficient to determine the role of this variant in disease. Therefore, it has been classified as a Variant of Uncertain Significance. Algorithms developed to predict the effect of missense changes on protein structure and function are either unavailable or do not agree on the potential impact of this missense change (SIFT: "Not Available"; PolyPhen-2: "Benign"; Align-GVGD: "Not Available"). The frequency data for this variant in the population databases is considered unreliable, as metrics indicate poor data quality at this position in the gnomAD database. ClinVar contains an entry for this variant (Variation ID: 1462906). This variant has not been reported in the literature in individuals affected with FN1-related conditions. This sequence change replaces isoleucine, which is neutral and non-polar, with threonine, which is neutral and polar, at codon 1532 of the FN1 protein (p.Ile1532Thr).

NM_212482.4(FN1):c.4595T>C (p.Ile1532Thr)

Gene: FN1 (fibronectin 1; minus strand). Cytogenetic location: 2q35.
Variant type: single nucleotide variant.
Coding change: c.4595T>C on transcript NM_212482.4 (MANE Select); coding-DNA position 4595, T replaced by C.
Protein change: p.Ile1532Thr; replaces isoleucine 1532 with threonine.
Molecular consequence: missense variant.
Genome position (GRCh38, 1-based): chr2:215,386,706, A>G on the plus strand (T>C on the coding strand, the complement: FN1 is on the minus strand). VCF-style: chr2-215386706-A-G. GRCh37 (hg19) VCF-style: chr2-216251429-A-G.
Other names: c.4595T>C, p.Ile1532Thr (NM_001306129.2, NM_001306130.2, NM_001365517.2 and 3 more transcripts); c.4322T>C, p.Ile1441Thr (NM_001306131.2, NM_001306132.2, NM_001365518.2 and 7 more transcripts); c.4595T>C (NM_212482.1); short protein forms I1441T, I1532T.
Identifiers: ClinVar variation 1462906 (VCV001462906.9), dbSNP rs767639606, ClinGen allele CA350481040.